The following is an entry in ClinVar:

ClinVar aggregate classification (germline): Likely benign (1 of 4 stars; one submission).

Allele frequency attached by ClinVar (database versions not stated): gnomAD exomes below 0.00001; TOPMed below 0.00001.
gnomAD v4.1: 3 of 1,532,748 alleles (0.0002%); highest among the groups gnomAD compares: East Asian, 0.005%; no homozygotes.

Submission:

CeGaT Center for Human Genetics Tuebingen
Classification: Likely benign. Last evaluated: 2023-01-01. Review status: criteria provided, single submitter. Criteria: CeGaT Center For Human Genetics Tuebingen Variant Classification Criteria Version 2. Collection method: clinical testing. Allele origin: germline. Affected: yes. Observed: 1 variant allele.
Comment: BICRA: BP4, BP7

NM_001394372.1(BICRA):c.993C>T (p.Leu331=)

Gene: BICRA (BRD4 interacting chromatin remodeling complex associated protein; plus strand). Cytogenetic location: 19q13.33.
Variant type: single nucleotide variant.
Coding change: c.993C>T on transcript NM_001394372.1 (MANE Select); coding-DNA position 993, C replaced by T.
Protein change: p.Leu331=; no amino-acid change (leucine 331 retained).
Molecular consequence: synonymous variant.
Genome position (GRCh38, 1-based): chr19:47,680,163, C>T. VCF-style: chr19-47680163-C-T. GRCh37 (hg19) VCF-style: chr19-48183420-C-T.
Other names: c.993C>T, p.Leu331= (NM_015711.3).
Identifiers: ClinVar variation 2650162 (VCV002650162.24), dbSNP rs1194693763, ClinGen allele CA508257288.